The following is an entry in ClinVar:

ClinVar aggregate classification (germline): Uncertain significance (1 of 4 stars; one submission).

Conditions:
Aortic aneurysm, familial thoracic 4 (AAT4). Also called: AORTIC ANEURYSM/AORTIC DISSECTION AND PATENT DUCTUS ARTERIOSUS. Identifiers: MedGen C1851504, MONDO:0007568, OMIM 132900.

Submission:

Labcorp Genetics (formerly Invitae), Labcorp
Classification: Uncertain significance for Aortic aneurysm, familial thoracic 4. Last evaluated: 2022-06-04. Review status: criteria provided, single submitter. Criteria: Invitae Variant Classification Sherloc (09022015). Collection method: clinical testing. Allele origin: germline.
Comment: This sequence change replaces threonine, which is neutral and polar, with isoleucine, which is neutral and non-polar, at codon 611 of the MYH11 protein (p.Thr611Ile). This variant is not present in population databases (gnomAD no frequency). This variant has not been reported in the literature in individuals affected with MYH11-related conditions. ClinVar contains an entry for this variant (Variation ID: 577178). Algorithms developed to predict the effect of missense changes on protein structure and function output the following: SIFT: "Deleterious"; PolyPhen-2: "Possibly Damaging"; Align-GVGD: "Class C65". The isoleucine amino acid residue is found in multiple mammalian species, which suggests that this missense change does not adversely affect protein function. In summary, the available evidence is currently insufficient to determine the role of this variant in disease. Therefore, it has been classified as a Variant of Uncertain Significance.

NM_002474.3(MYH11):c.1811C>T (p.Thr604Ile)

Gene: MYH11 (myosin heavy chain 11; minus strand). Cytogenetic location: 16p13.11.
Variant type: single nucleotide variant.
Coding change: c.1811C>T on transcript NM_002474.3 (MANE Select); coding-DNA position 1811, C replaced by T.
Protein change: p.Thr604Ile; replaces threonine 604 with isoleucine.
Molecular consequence: missense variant.
Genome position (GRCh38, 1-based): chr16:15,753,447, G>A on the plus strand (C>T on the coding strand, the complement: MYH11 is on the minus strand). VCF-style: chr16-15753447-G-A. GRCh37 (hg19) VCF-style: chr16-15847304-G-A.
Other names: c.1811C>T, p.Thr604Ile (NM_022844.3); c.1832C>T, p.Thr611Ile (NM_001040113.2, NM_001040114.2); short protein forms T611I, T604I.
Identifiers: ClinVar variation 577178 (VCV000577178.8), dbSNP rs1567729751, ClinGen allele CA394869390.